The following is an entry in ClinVar:

ClinVar aggregate classification (germline): Benign/Likely benign. Review status: criteria provided, multiple submitters, no conflicts (2 of 4 stars). 5 submissions from 5 submitters: Benign (1); Likely benign (3). 1 of the submissions does not count toward it. Last evaluated 2025-12-28.

Conditions:
ATM-related disorder. Also called: ATM-related disorders; ATM-related condition.
Hereditary cancer-predisposing syndrome. Also called: Tumor predisposition; Neoplastic Syndromes, Hereditary; Hereditary Cancer Syndrome; Hereditary neoplastic syndrome. Identifiers: Orphanet 140162, MedGen C0027672, MeSH D009386, MONDO:0015356.
Familial cancer of breast. Also called: BREAST CANCER, FAMILIAL; hereditary breast carcinoma; Hereditary breast cancer. Identifiers: Orphanet 227535, MedGen C0346153, MONDO:0016419, OMIM 114480. Disease mechanism: loss of function.
Ataxia-telangiectasia syndrome (AT). Also called: Ataxia-telangiectasia; Ataxia-telangiectasia, complementation group D; AT, COMPLEMENTATION GROUP C; LOUIS-BAR SYNDROME; Cerebello-oculocutaneous telangiectasia; Immunodeficiency with ataxia telangiectasia. Identifiers: Orphanet 100, MedGen C0004135, MONDO:0008840, OMIM 208900.

Allele frequency attached by ClinVar (database versions not stated): TOPMed 0.00001.
gnomAD v4.1: 4 of 1,613,228 alleles (0.00025%); highest among the groups gnomAD compares: East Asian, 0.0045%; no homozygotes.

Submissions (5):

Labcorp Genetics (formerly Invitae), Labcorp
Classification: Likely benign for Ataxia-telangiectasia syndrome. Last evaluated: 2025-12-28. Review status: criteria provided, single submitter. Criteria: Invitae Variant Classification Sherloc (09022015). Collection method: clinical testing. Allele origin: germline.

Myriad Genetics, Inc.
Classification: Benign for Familial cancer of breast. Last evaluated: 2024-05-21. Review status: criteria provided, single submitter. Criteria: Myriad Autosomal Dominant, Autosomal Recessive and X-Linked Classification Criteria (2023). Collection method: clinical testing. Allele origin: unknown.
Comment: This variant is considered benign. This variant is a silent/synonymous amino acid change and it is not expected to impact splicing.

Ambry Genetics
Classification: Likely benign for Hereditary cancer-predisposing syndrome. Last evaluated: 2019-04-10. Review status: criteria provided, single submitter. Criteria: Ambry Variant Classification Scheme 2023. Collection method: clinical testing. Allele origin: germline.

Color Diagnostics, LLC DBA Color Health
Classification: Likely benign for Hereditary cancer-predisposing syndrome. Last evaluated: 2017-05-26. Review status: criteria provided, single submitter. Criteria: ACMG Guidelines, 2015. Collection method: clinical testing. Allele origin: germline.

PreventionGenetics, part of Exact Sciences
Classification: Likely benign for ATM-related condition. Last evaluated: 2019-04-11. Review status: no assertion criteria provided. Collection method: clinical testing. Allele origin: germline. Not counted in ClinVar's aggregate classification.
Comment: This variant is classified as likely benign based on ACMG/AMP sequence variant interpretation guidelines (Richards et al. 2015 PMID: 25741868, with internal and published modifications).

NM_000051.4(ATM):c.4917G>T (p.Pro1639=)

Gene: ATM (ATM serine/threonine kinase; plus strand). Cytogenetic location: 11q22.3.
Variant type: single nucleotide variant.
Coding change: c.4917G>T on transcript NM_000051.4 (MANE Select); coding-DNA position 4917, G replaced by T.
Protein change: p.Pro1639=; no amino-acid change (proline 1639 retained).
Molecular consequence: synonymous variant.
Genome position (GRCh38, 1-based): chr11:108,297,294, G>T. VCF-style: chr11-108297294-G-T. GRCh37 (hg19) VCF-style: chr11-108168021-G-T.
Other names: c.4917G>T, p.Pro1639= (NM_001351834.2).
Identifiers: ClinVar variation 490590 (VCV000490590.21), dbSNP rs140425622, ClinGen allele CA6265587.